The following is an entry in ClinVar:

NM_080425.4(GNAS):c.1366G>C (p.Gly456Arg)

Gene: GNAS (GNAS complex locus; plus strand). Cytogenetic location: 20q13.32.
Variant type: single nucleotide variant.
Coding change: c.1366G>C on transcript NM_080425.4 (MANE Plus Clinical); coding-DNA position 1366, G replaced by C.
Protein change: p.Gly456Arg; replaces glycine 456 with arginine.
Molecular consequence: missense variant. On other transcripts: synonymous variant (2), intron variant (3).
Genome position (GRCh38, 1-based): chr20:58,854,631, G>C. VCF-style: chr20-58854631-G-C. GRCh37 (hg19) VCF-style: chr20-57429686-G-C.
Other names: c.1179G>C, p.Pro393= (NM_001077490.3, NM_001309883.1); c.1366G>C, p.Gly456Arg (NM_001410913.1); c.*42+13745G>C (NM_016592.5); c.43+13745G>C (NM_001410912.1); c.-39+12756G>C (NM_001309861.2); short protein forms G456R.
Identifiers: ClinVar variation 4982138 (VCV004982138.1).
Genomic context (GRCh38, chr20:58,854,631, plus strand): 5'-GCCGCCCCAGCCGATCCCGACTCCGGGGCGGCCCCTGACGCCCCAGCCGATCCCGACTCC[G>C]GGGCGGCCCCTGACGCCCCAGCCGATCCAGATGCCGGGGCGGCCCCTGAGGCTCCCGCCG-3'
Protein context (NP_536350.2, residues 446-466): APDAPADPDS[Gly456Arg]AAPDAPADPD

ClinVar aggregate classification (germline): Uncertain significance (1 of 4 stars; one submission).

Conditions:
GNAS-related disorder. Identifiers: MedGen CN380105.

gnomAD v4.1: 2 of 1,534,996 alleles (0.00013%); highest among the groups gnomAD compares: African/African-American, 0.0014%; no homozygotes.

Submission:

PreventionGenetics, part of Exact Sciences
Classification: Uncertain significance for GNAS-related condition. Last evaluated: 2026-06-07. Review status: criteria provided, single submitter. Criteria: ACMG Guidelines, 2015. Collection method: clinical testing. Allele origin: germline.
Comment: The GNAS c.1366G>C variant is predicted to result in the amino acid substitution p.Gly456Arg. To our knowledge, this variant has not been reported in the literature. This variant is reported in 0.016% of alleles in individuals of African descent in gnomAD. At this time, the clinical significance of this variant is uncertain due to the absence of conclusive functional and genetic evidence.